The following is an entry in ClinVar:

NM_006505.5(PVR):c.-1C>T

Gene: PVR (PVR cell adhesion molecule; plus strand). Cytogenetic location: 19q13.31.
Variant type: single nucleotide variant.
Coding change: c.-1C>T on transcript NM_006505.5 (MANE Select); 1 bases upstream of the start codon, C replaced by T.
Molecular consequence: 5 prime UTR variant.
Genome position (GRCh38, 1-based): chr19:44,644,096, C>T. VCF-style: chr19-44644096-C-T. GRCh37 (hg19) VCF-style: chr19-45147396-C-T.
Other names: NC_000019.9:g.45147396C>T; c.-1C>T (NM_001135768.3, NM_001135769.3, NM_001135770.4).
Identifiers: ClinVar variation 3041859 (VCV003041859.3), dbSNP rs11540085, ClinGen allele CA9502135.

ClinVar aggregate classification (germline): Benign (0 of 4 stars; one submission).

Conditions:
PVR-related disorder. Also called: PVR-related condition.

Allele frequency attached by ClinVar (database versions not stated): 1000 Genomes Project 0.00619; 1000 Genomes Project 30x 0.00640; ESP Exome Variant Server 0.01032; TOPMed 0.01200; gnomAD 0.01225; ExAC 0.01276; gnomAD exomes 0.01960.
gnomAD v4.1: 28,307 of 1,514,500 alleles (1.9%); highest among the groups gnomAD compares: Non-Finnish European, 2.3%; 334 homozygotes.

Submissions (14):

PreventionGenetics, part of Exact Sciences
Classification: Benign for PVR-related condition. Last evaluated: 2020-02-14. Review status: no assertion criteria provided. Collection method: clinical testing. Allele origin: germline.
Comment: This variant is classified as benign based on ACMG/AMP sequence variant interpretation guidelines (Richards et al. 2015 PMID: 25741868, with internal and published modifications).

Dr. Peter K. Rogan Lab, Western University
No classification provided (evidence only). Condition: Malignant tumor of urinary bladder. Review status: no classification provided. Collection method: in vitro. Allele origin: not applicable. Functional consequence: retained intron. Not counted in ClinVar's aggregate classification.

Dr. Peter K. Rogan Lab, Western University
No classification provided (evidence only). Condition: Malignant tumor of urinary bladder. Review status: no classification provided. Collection method: in vitro. Allele origin: not applicable. Functional consequence: retained intron. Not counted in ClinVar's aggregate classification.

Dr. Peter K. Rogan Lab, Western University
No classification provided (evidence only). Condition: Melanoma. Review status: no classification provided. Collection method: in vitro. Allele origin: not applicable. Functional consequence: retained intron. Not counted in ClinVar's aggregate classification.

Dr. Peter K. Rogan Lab, Western University
No classification provided (evidence only). Condition: Melanoma. Review status: no classification provided. Collection method: in vitro. Allele origin: not applicable. Functional consequence: retained intron. Not counted in ClinVar's aggregate classification.

Dr. Peter K. Rogan Lab, Western University
No classification provided (evidence only). Condition: Cervical cancer. Review status: no classification provided. Collection method: in vitro. Allele origin: not applicable. Functional consequence: retained intron. Not counted in ClinVar's aggregate classification.

Dr. Peter K. Rogan Lab, Western University
No classification provided (evidence only). Condition: Cervical cancer. Review status: no classification provided. Collection method: in vitro. Allele origin: not applicable. Functional consequence: retained intron. Not counted in ClinVar's aggregate classification.

Dr. Peter K. Rogan Lab, Western University
No classification provided (evidence only). Condition: Cervical cancer. Review status: no classification provided. Collection method: in vitro. Allele origin: not applicable. Functional consequence: retained intron. Not counted in ClinVar's aggregate classification.

Dr. Peter K. Rogan Lab, Western University
No classification provided (evidence only). Condition: Cervical cancer. Review status: no classification provided. Collection method: in vitro. Allele origin: not applicable. Functional consequence: retained intron. Not counted in ClinVar's aggregate classification.

Dr. Peter K. Rogan Lab, Western University
No classification provided (evidence only). Condition: Cervical cancer. Review status: no classification provided. Collection method: in vitro. Allele origin: not applicable. Functional consequence: retained intron. Not counted in ClinVar's aggregate classification.

Dr. Peter K. Rogan Lab, Western University
No classification provided (evidence only). Condition: Cervical cancer. Review status: no classification provided. Collection method: in vitro. Allele origin: not applicable. Functional consequence: retained intron. Not counted in ClinVar's aggregate classification.

Dr. Peter K. Rogan Lab, Western University
No classification provided (evidence only). Condition: Ovarian serous cystadenocarcinoma. Review status: no classification provided. Collection method: in vitro. Allele origin: not applicable. Functional consequence: retained intron. Not counted in ClinVar's aggregate classification.

Dr. Peter K. Rogan Lab, Western University
No classification provided (evidence only). Condition: Uterine carcinosarcoma. Review status: no classification provided. Collection method: in vitro. Allele origin: not applicable. Functional consequence: retained intron. Not counted in ClinVar's aggregate classification.

Dr. Peter K. Rogan Lab, Western University
No classification provided (evidence only). Condition: Malignant tumor of esophagus. Review status: no classification provided. Collection method: in vitro. Allele origin: not applicable. Functional consequence: retained intron. Not counted in ClinVar's aggregate classification.